The following is an entry in ClinVar:

NM_000059.4(BRCA2):c.6614T>G (p.Val2205Gly)

Gene: BRCA2 (BRCA2 DNA repair associated; plus strand). Cytogenetic location: 13q13.1.
Variant type: single nucleotide variant.
Coding change: c.6614T>G on transcript NM_000059.4 (MANE Select); coding-DNA position 6614, T replaced by G.
Protein change: p.Val2205Gly; replaces valine 2205 with glycine.
Molecular consequence: missense variant.
Genome position (GRCh38, 1-based): chr13:32,340,969, T>G. VCF-style: chr13-32340969-T-G. GRCh37 (hg19) VCF-style: chr13-32915106-T-G.
Other names: p.V2205G:GTG>GGG; short protein forms V2205G.
Identifiers: ClinVar variation 182229 (VCV000182229.21), dbSNP rs730881546, ClinGen allele CA024214.

ClinVar aggregate classification (germline): Conflicting classifications of pathogenicity. Review status: criteria provided, conflicting classifications (1 of 4 stars). 7 submissions from 7 submitters: Uncertain significance (6); Likely benign (1). Last evaluated 2025-10-10.

Conditions:
Hereditary cancer-predisposing syndrome. Also called: Tumor predisposition; Hereditary Cancer Syndrome; Hereditary neoplastic syndrome; Neoplastic Syndromes, Hereditary. Identifiers: Orphanet 140162, MedGen C0027672, MeSH D009386, MONDO:0015356.
Hereditary breast ovarian cancer syndrome. Also called: Breast and ovarian cancer; Hereditary breast and ovarian cancer; Hereditary breast and/or ovarian cancer syndrome; BRCA1- and BRCA2-Associated Hereditary Breast and Ovarian Cancer; Hereditary breast and ovarian cancer syndrome (HBOC); Hereditary breast and ovarian cancer syndrome. Identifiers: Orphanet 145, MedGen C0677776, MeSH D061325, MONDO:0003582. Disease mechanism: loss of function.

gnomAD v4.1: 1 of 1,608,830 alleles (0.000062%); no homozygotes.

Submissions (7):

Ambry Genetics
Classification: Uncertain significance for Hereditary cancer-predisposing syndrome. Last evaluated: 2025-10-10. Review status: criteria provided, single submitter. Criteria: Ambry Variant Classification Scheme 2023. Collection method: clinical testing. Allele origin: germline.
Comment: The p.V2205G variant (also known as c.6614T>G), located in coding exon 10 of the BRCA2 gene, results from a T to G substitution at nucleotide position 6614. The valine at codon 2205 is replaced by glycine, an amino acid with dissimilar properties. This amino acid position is not well conserved in available vertebrate species. In addition, the in silico prediction for this alteration is inconclusive. Based on the available evidence, the clinical significance of this variant remains unclear.

Labcorp Genetics (formerly Invitae), Labcorp
Classification: Uncertain significance for Hereditary breast ovarian cancer syndrome. Last evaluated: 2025-10-02. Review status: criteria provided, single submitter. Criteria: Invitae Variant Classification Sherloc (09022015). Collection method: clinical testing. Allele origin: germline.
Comment: This sequence change replaces valine, which is neutral and non-polar, with glycine, which is neutral and non-polar, at codon 2205 of the BRCA2 protein (p.Val2205Gly). This variant is not present in population databases (gnomAD no frequency). This missense change has been observed in individual(s) with breast cancer (PMID: 25186627, 31228304, 37415649). ClinVar contains an entry for this variant (Variation ID: 182229). Invitae Evidence Modeling of protein sequence and biophysical properties (such as structural, functional, and spatial information, amino acid conservation, physicochemical variation, residue mobility, and thermodynamic stability) indicates that this missense variant is not expected to disrupt BRCA2 protein function with a negative predictive value of 95%. In summary, the available evidence is currently insufficient to determine the role of this variant in disease. Therefore, it has been classified as a Variant of Uncertain Significance.

GeneDx
Classification: Uncertain significance. Last evaluated: 2024-11-03. Review status: criteria provided, single submitter. Criteria: GeneDx Variant Classification Process June 2021. Collection method: clinical testing. Allele origin: germline. Affected: yes.
Comment: In silico analysis indicates that this missense variant does not alter protein structure/function; Not observed at significant frequency in large population cohorts (gnomAD); Also known as 6842T>G; This variant is associated with the following publications: (PMID: 25186627, 30287823, 31228304, 37415649, 36243179, 35753294)

Quest Diagnostics Nichols Institute San Juan Capistrano
Classification: Uncertain significance. Last evaluated: 2024-02-07. Review status: criteria provided, single submitter. Criteria: Quest Diagnostics criteria. Collection method: clinical testing. Allele origin: unknown.
Comment: The BRCA2 c.6614T>G (p.Val2205Gly) variant has been reported in the published literature in individuals with a personal or family history of breast cancer (PMIDs: 37415649 (2023), 31228304 (2019), 25186627 (2015)), as well as in reportedly healthy individuals (PMIDs: 31214711 (2020), 30287823 (2018)). This variant has not been reported in large, multi-ethnic general populations (Genome Aggregation Database). Analysis of this variant using bioinformatics tools for the prediction of the effect of amino acid changes on protein structure and function yielded predictions that this variant is benign. Based on the available information, we are unable to determine the clinical significance of this variant.

University of Washington Department of Laboratory Medicine, University of Washington
Classification: Likely benign for Hereditary cancer-predisposing syndrome. Last evaluated: 2023-03-23. Review status: criteria provided, single submitter. Criteria: Dines et al. (Genet Med. 2020). Collection method: curation. Allele origin: germline.
Comment: Missense variant in a coldspot region where missense variants are very unlikely to be pathogenic (PMID:31911673).

BRCA2 exon 11 coldspot. Reclassification based on statistical prior probability.

Women's Health and Genetics/Laboratory Corporation of America, LabCorp
Classification: Uncertain significance. Last evaluated: 2021-08-01. Review status: criteria provided, single submitter. Criteria: LabCorp Variant Classification Summary - May 2015. Collection method: clinical testing. Allele origin: germline.
Comment: Variant summary: BRCA2 c.6614T>G (p.Val2205Gly) results in a non-conservative amino acid change in the encoded protein sequence. Three of five in-silico tools predict a benign effect of the variant on protein function. The variant was absent in 245262 control chromosomes. The available data on variant occurrences in the general population are insufficient to allow any conclusion about variant significance. c.6614T>G has been reported in the literature in individuals affected with breast cancer undergoing multigene panel testing as well as in unaffected controls (example, Tung_2015, Momozawa_2018, Bisgin_2019). These report(s) do not provide unequivocal conclusions about association of the variant with Hereditary Breast And Ovarian Cancer Syndrome. To our knowledge, no experimental evidence demonstrating an impact on protein function has been reported. Three clinical diagnostic laboratories have submitted clinical-significance assessments for this variant to ClinVar after 2014 without evidence for independent evaluation. All laboratories classified the variant as uncertain significance. Based on the evidence outlined above, the variant was classified as uncertain significance.

Color Diagnostics, LLC DBA Color Health
Classification: Uncertain significance for Hereditary cancer-predisposing syndrome. Last evaluated: 2019-06-05. Review status: criteria provided, single submitter. Criteria: ACMG Guidelines, 2015. Collection method: clinical testing. Allele origin: germline.

Literature cited by the submitters: PubMed 25186627 (cited by 3 submitters); PubMed 31228304 (cited by 3 submitters); PubMed 37415649 (cited by Labcorp Genetics (formerly Invitae), Labcorp and Quest Diagnostics Nichols Institute San Juan Capistrano); PubMed 30287823 (cited by Quest Diagnostics Nichols Institute San Juan Capistrano and Women's Health and Genetics/Laboratory Corporation of America, LabCorp); PubMed 31911673 (cited by Quest Diagnostics Nichols Institute San Juan Capistrano); PubMed 35753294 (cited by Quest Diagnostics Nichols Institute San Juan Capistrano); PubMed 31214711 (cited by Quest Diagnostics Nichols Institute San Juan Capistrano).